The following is an entry in ClinVar:

NM_001792.5(CDH2):c.205G>A (p.Val69Ile)

Gene: CDH2 (cadherin 2; minus strand). Cytogenetic location: 18q12.1.
Variant type: single nucleotide variant.
Coding change: c.205G>A on transcript NM_001792.5 (MANE Select); coding-DNA position 205, G replaced by A.
Protein change: p.Val69Ile; replaces valine 69 with isoleucine.
Molecular consequence: missense variant.
Genome position (GRCh38, 1-based): chr18:28,013,877, C>T on the plus strand (G>A on the coding strand, the complement: CDH2 is on the minus strand). VCF-style: chr18-28013877-C-T. GRCh37 (hg19) VCF-style: chr18-25593841-C-T.
Other names: c.112G>A, p.Val38Ile (NM_001308176.2); short protein forms V69I, V38I.
Identifiers: ClinVar variation 5034033 (VCV005034033.1).
Genomic context (GRCh38, chr18:28,013,877, plus strand): 5'-CATACACCATGCCATCTTCATCCACCTTAAAATCTGCAGGCTCACTGCTCTCATATTGTA[C>T]TTTTCTTTTTCCATTGCAGTTGCTAAACTTCACTGTAAAAGATAAGAAATAGGTCAGTTA-3'
Protein context (NP_001783.2, residues 59-79): KFSNCNGKRK[Val69Ile]QYESSEPADF

ClinVar aggregate classification (germline): Uncertain significance (1 of 4 stars; one submission).

Conditions:
Inborn genetic diseases. Identifiers: MedGen C0950123, MeSH D030342.

gnomAD v4.1: 3 of 1,613,372 alleles (0.00019%); highest among the groups gnomAD compares: Non-Finnish European, 0.00025%; no homozygotes.

Submission:

Ambry Genetics
Classification: Uncertain significance for Inborn genetic diseases. Last evaluated: 2026-09-04. Review status: criteria provided, single submitter. Criteria: Ambry Variant Classification Scheme 2023. Collection method: clinical testing. Allele origin: germline.
Comment: The p.V69I variant (also known as c.205G>A), located in coding exon 3 of the CDH2 gene, results from a G to A substitution at nucleotide position 205. The valine at codon 69 is replaced by isoleucine, an amino acid with highly similar properties. This amino acid position is conserved. In addition, this alteration is predicted to be tolerated by in silico analysis. Based on the available evidence, the clinical significance of this variant remains unclear.